The following is an entry in ClinVar:

ClinVar aggregate classification (germline): Benign. Review status: criteria provided, multiple submitters, no conflicts (2 of 4 stars). 3 submissions from 3 submitters: Benign (2). 1 of the submissions does not count toward it. Last evaluated 2021-02-24.

Conditions:
KCNQ1-related disorder. Also called: KCNQ1-related disorders; KCNQ1-related condition. Identifiers: MedGen CN239322.

Allele frequency attached by ClinVar (database versions not stated): gnomAD exomes 0.57748; gnomAD 0.61961 and 0.62653; TOPMed 0.64373; 1000 Genomes Project 0.72943; 1000 Genomes Project 30x 0.73204.
gnomAD v4.1: 237,755 of 398,376 alleles (60%); highest among the groups gnomAD compares: East Asian, 90%; 74,265 homozygotes.

Submissions (3):

GeneDx
Classification: Benign. Last evaluated: 2021-02-24. Review status: criteria provided, single submitter. Criteria: GeneDx Variant Classification Process June 2021. Collection method: clinical testing. Allele origin: germline. Affected: yes.
Comment: This variant is associated with the following publications: (PMID: 26911676)

Breakthrough Genomics
Classification: Benign. Review status: criteria provided, single submitter. Criteria: ACMG Guidelines, 2015. Collection method: not provided. Allele origin: germline. Inheritance: Autosomal recessive inheritance. Affected: yes.

PreventionGenetics, part of Exact Sciences
Classification: Benign for KCNQ1-related condition. Last evaluated: 2019-12-03. Review status: no assertion criteria provided. Collection method: clinical testing. Allele origin: germline. Not counted in ClinVar's aggregate classification.
Comment: This variant is classified as benign based on ACMG/AMP sequence variant interpretation guidelines (Richards et al. 2015 PMID: 25741868, with internal and published modifications).

NM_000218.3(KCNQ1):c.1514+8160A>G

Genes: KCNQ1 (potassium voltage-gated channel subfamily Q member 1; plus strand), KCNQ1OT1 (KCNQ1 opposite strand/antisense transcript 1; minus strand). Cytogenetic location: 11p15.5.
Variant type: single nucleotide variant.
Coding change: c.1514+8160A>G on transcript NM_000218.3 (MANE Select); 8160 bases into the intron after coding-DNA position 1514, A replaced by G.
Molecular consequence: intron variant.
Genome position (GRCh38, 1-based): chr11:2,670,241, A>G. VCF-style: chr11-2670241-A-G. GRCh37 (hg19) VCF-style: chr11-2691471-A-G.
Other names: c.1244+8160A>G (NM_001406837.1); c.1418+8160A>G (NM_001406836.1); c.974+8160A>G (NM_001406838.1); c.1133+8160A>G (NM_181798.2); c.1514+8160A>G (NM_000218.2).
Identifiers: ClinVar variation 1256894 (VCV001256894.7), dbSNP rs231362, ClinGen allele CA13406517.